The following is an entry in ClinVar:

NM_000140.5(FECH):c.314+2T>G

Gene: FECH (ferrochelatase; minus strand). Cytogenetic location: 18q21.31.
Variant type: single nucleotide variant.
Coding change: c.314+2T>G on transcript NM_000140.5 (MANE Select); the canonical splice donor site of the intron after coding-DNA position 314, T replaced by G.
Molecular consequence: splice donor variant.
Genome position (GRCh38, 1-based): chr18:57,573,244, A>C on the plus strand (T>G on the coding strand, the complement: FECH is on the minus strand). VCF-style: chr18-57573244-A-C. GRCh37 (hg19) VCF-style: chr18-55240476-A-C.
Other names: IVS3DS, T-G, +2; c.314+2T>G (NM_001371094.1, NM_001374778.1); c.332+2T>G (NM_001012515.4); c.98+2T>G (NM_001371095.1).
Identifiers: ClinVar variation 555 (VCV000000555.9), dbSNP rs149067146, ClinGen allele CA251514.
Genomic context (GRCh38, chr18:57,573,244, plus strand): 5'-ATTGAGAGACACATGTCAATGTAGTGCCAAGGTTATAATTGAGGTGTTTATATATATCTC[A>C]CTTCTGAATAGGAAGTGTCATGAGGTCTCGGTCCAAGAAGAGTCTCAGAAGGAAGTCGTG-3'

ClinVar aggregate classification (germline): Pathogenic/Likely pathogenic. Review status: criteria provided, multiple submitters, no conflicts (2 of 4 stars). 4 submissions from 4 submitters: Pathogenic (2); Likely pathogenic (1). 1 of the submissions does not count toward it. Last evaluated 2026-01-30.

Conditions:
FECH-related disorders.
FECH-related disorder. Also called: FECH-related condition.
Protoporphyria, erythropoietic, 1 (EPP1). Also called: Erythropoietic Protoporphyria, Autosomal Recessive; FERROCHELATASE DEFICIENCY; HEME SYNTHETASE DEFICIENCY. Identifiers: Orphanet 79278, MedGen C4692546, MONDO:0008319, OMIM 177000.

Allele frequency attached by ClinVar (database versions not stated): ExAC 0.00002; gnomAD exomes 0.00002 and 0.00007; TOPMed 0.00002; gnomAD 0.00003; ESP Exome Variant Server 0.00015.
gnomAD v4.1: 102 of 1,612,900 alleles (0.0063%); highest among the groups gnomAD compares: Non-Finnish European, 0.0086%; no homozygotes.

Submissions (4):

PreventionGenetics, part of Exact Sciences
Classification: Pathogenic for FECH-related condition. Last evaluated: 2026-01-30. Review status: criteria provided, single submitter. Criteria: ACMG Guidelines, 2015. Collection method: clinical testing. Allele origin: germline.
Comment: The FECH c.314+2T>G variant is predicted to disrupt the GT donor site and interfere with normal splicing. This variant, also described as IVS3+2T>G, has been reported to result in loss of exon 3 expression and decreased enzyme activity and be causative for erythropoietic protoporphyria (Sarkany et al. 1994. PubMed ID: 8151124; Bloomer et al. 1998. PubMed ID: 9649563). This variant is reported in 0.0044% of alleles in individuals of European (Non-Finnish) descent in gnomAD. Variants that disrupt the consensus splice donor site in FECH are expected to be pathogenic. This variant is interpreted as pathogenic.

Labcorp Genetics (formerly Invitae), Labcorp
Classification: Pathogenic. Last evaluated: 2025-12-24. Review status: criteria provided, single submitter. Criteria: Invitae Variant Classification Sherloc (09022015). Collection method: clinical testing. Allele origin: germline.
Comment: This sequence change affects a donor splice site in intron 3 of the FECH gene. RNA analysis indicates that disruption of this splice site induces altered splicing and likely results in a shortened protein product. This variant is present in population databases (rs149067146, gnomAD 0.004%). Disruption of this splice site has been observed in individual(s) with clinical features of erythropoietic protoporphyria (PMID: 8151124, 9649563; internal data). In at least one individual the data is consistent with being in trans (on the opposite chromosome) from a pathogenic variant. ClinVar contains an entry for this variant (Variation ID: 555). Studies have shown that disruption of this splice site alters FECH gene expression (PMID: 9649563). Studies have shown that disruption of this splice site results in skipping of exon 3, but is expected to preserve the integrity of the reading-frame (PMID: 8151124). For these reasons, this variant has been classified as Pathogenic.

Blueprint Genetics
Classification: Likely pathogenic for FECH-related disorders. Last evaluated: 2023-10-30. Review status: criteria provided, single submitter. Criteria: ACMG Guidelines, 2015. Collection method: clinical testing. Allele origin: germline. Affected: yes. Observed: 2 variant alleles.

OMIM
Classification: Pathogenic for PROTOPORPHYRIA, ERYTHROPOIETIC, 1. Last evaluated: 1998-07-01. Review status: no assertion criteria provided. Collection method: literature only. Allele origin: germline. Not counted in ClinVar's aggregate classification.

Literature cited by the submitters: PubMed 8151124 (cited by Labcorp Genetics (formerly Invitae), Labcorp); PubMed 9649563 (cited by Labcorp Genetics (formerly Invitae), Labcorp and OMIM).